The following is an entry in ClinVar:

NM_000053.4(ATP7B):c.3334A>T (p.Ile1112Phe)

Gene: ATP7B (ATPase copper transporting beta; minus strand). Cytogenetic location: 13q14.3.
Variant type: single nucleotide variant.
Coding change: c.3334A>T on transcript NM_000053.4 (MANE Select); coding-DNA position 3334, A replaced by T.
Protein change: p.Ile1112Phe; replaces isoleucine 1112 with phenylalanine.
Molecular consequence: missense variant.
Genome position (GRCh38, 1-based): chr13:51,942,464, T>A on the plus strand (A>T on the coding strand, the complement: ATP7B is on the minus strand). VCF-style: chr13-51942464-T-A. GRCh37 (hg19) VCF-style: chr13-52516600-T-A.
Other names: c.2713A>T, p.Ile905Phe (NM_001005918.3); c.3001A>T, p.Ile1001Phe (NM_001243182.2); c.3100A>T, p.Ile1034Phe (NM_001330578.2); c.3082A>T, p.Ile1028Phe (NM_001330579.2); short protein forms I1112F, I905F, I1001F, I1028F, I1034F.
Identifiers: ClinVar variation 1364175 (VCV001364175.6), dbSNP rs770624100, ClinGen allele CA388028271.

ClinVar aggregate classification (germline): Uncertain significance. Review status: criteria provided, multiple submitters, no conflicts (2 of 4 stars). 2 submissions from 2 submitters: Uncertain significance (2). Last evaluated 2025-06-17.

Conditions:
Wilson disease (WND). Also called: Wilson's disease. Identifiers: Orphanet 905, MedGen C0019202, MONDO:0010200, OMIM 277900. Disease mechanism: loss of function.

gnomAD v4.1: 4 of 1,614,246 alleles (0.00025%); highest among the groups gnomAD compares: Non-Finnish European, 0.00034%; no homozygotes.

Submissions (2):

Color Diagnostics, LLC DBA Color Health
Classification: Uncertain significance for Wilson disease. Last evaluated: 2025-06-17. Review status: criteria provided, single submitter. Criteria: ACMG Guidelines, 2015. Collection method: clinical testing. Allele origin: germline.
Comment: This missense variant replaces isoleucine with phenylalanine at codon 1112 of the ATP7B protein. Computational prediction suggests that this variant may not impact protein structure and function. To our knowledge, functional studies have not been reported for this variant. This variant has not been reported in individuals affected with ATP7B-related disorders in the literature. This variant has not been identified in the general population by the Genome Aggregation Database (gnomAD). The available evidence is insufficient to determine the role of this variant in disease conclusively. Therefore, this variant is classified as a Variant of Uncertain Significance.

Labcorp Genetics (formerly Invitae), Labcorp
Classification: Uncertain significance for Wilson disease. Last evaluated: 2022-07-10. Review status: criteria provided, single submitter. Criteria: Invitae Variant Classification Sherloc (09022015). Collection method: clinical testing. Allele origin: germline.
Comment: This sequence change replaces isoleucine, which is neutral and non-polar, with phenylalanine, which is neutral and non-polar, at codon 1112 of the ATP7B protein (p.Ile1112Phe). This variant is not present in population databases (gnomAD no frequency). This variant has not been reported in the literature in individuals affected with ATP7B-related conditions. ClinVar contains an entry for this variant (Variation ID: 1364175). Advanced modeling of protein sequence and biophysical properties (such as structural, functional, and spatial information, amino acid conservation, physicochemical variation, residue mobility, and thermodynamic stability) performed at Invitae indicates that this missense variant is not expected to disrupt ATP7B protein function. In summary, the available evidence is currently insufficient to determine the role of this variant in disease. Therefore, it has been classified as a Variant of Uncertain Significance.